The following is an entry in ClinVar:

ClinVar aggregate classification (germline): Benign (0 of 4 stars; one submission).

Conditions:
THSD1-related disorder. Also called: THSD1-related condition.

Allele frequency attached by ClinVar (database versions not stated): gnomAD 0.00044; TOPMed 0.00046; ExAC 0.00106; 1000 Genomes Project 30x 0.00156; 1000 Genomes Project 0.00180.
gnomAD v4.1: 722 of 1,614,194 alleles (0.045%); highest among the groups gnomAD compares: East Asian, 1.5%; 3 homozygotes.

Submission:

PreventionGenetics, part of Exact Sciences
Classification: Benign for THSD1-related condition. Last evaluated: 2019-03-13. Review status: no assertion criteria provided. Collection method: clinical testing. Allele origin: germline.
Comment: This variant is classified as benign based on ACMG/AMP sequence variant interpretation guidelines (Richards et al. 2015 PMID: 25741868, with internal and published modifications).

NM_018676.4(THSD1):c.1053G>A (p.Gln351=)

Gene: THSD1 (thrombospondin type 1 domain containing 1; minus strand). Cytogenetic location: 13q14.3.
Variant type: single nucleotide variant.
Coding change: c.1053G>A on transcript NM_018676.4 (MANE Select); coding-DNA position 1053, G replaced by A.
Protein change: p.Gln351=; no amino-acid change (glutamine 351 retained).
Molecular consequence: synonymous variant. On other transcripts: intron variant (1).
Genome position (GRCh38, 1-based): chr13:52,386,155, C>T on the plus strand (G>A on the coding strand, the complement: THSD1 is on the minus strand). VCF-style: chr13-52386155-C-T. GRCh37 (hg19) VCF-style: chr13-52960290-C-T.
Other names: c.1022-7366G>A (NM_199263.3).
Identifiers: ClinVar variation 3045504 (VCV003045504.2), dbSNP rs200722444, ClinGen allele CA6992091.